The following is an entry in ClinVar:

NM_003737.4(DCHS1):c.7057G>C (p.Asp2353His)

Gene: DCHS1 (dachsous cadherin-related 1; minus strand). Cytogenetic location: 11p15.4.
Variant type: single nucleotide variant.
Coding change: c.7057G>C on transcript NM_003737.4 (MANE Select); coding-DNA position 7057, G replaced by C.
Protein change: p.Asp2353His; replaces aspartic acid 2353 with histidine.
Molecular consequence: missense variant.
Genome position (GRCh38, 1-based): chr11:6,625,287, C>G on the plus strand (G>C on the coding strand, the complement: DCHS1 is on the minus strand). VCF-style: chr11-6625287-C-G. GRCh37 (hg19) VCF-style: chr11-6646518-C-G.
Other names: short protein forms D2353H.
Identifiers: ClinVar variation 4776480 (VCV004776480.1).

ClinVar aggregate classification (germline): Uncertain significance (1 of 4 stars; one submission).

gnomAD v4.1: 1 of 1,613,854 alleles (0.000062%); highest among the groups gnomAD compares: Non-Finnish European, 0.000085%; no homozygotes.

Submission:

Labcorp Genetics (formerly Invitae), Labcorp
Classification: Uncertain significance. Last evaluated: 2025-05-24. Review status: criteria provided, single submitter. Criteria: Invitae Variant Classification Sherloc (09022015). Collection method: clinical testing. Allele origin: germline.
Comment: This sequence change replaces aspartic acid, which is acidic and polar, with histidine, which is basic and polar, at codon 2353 of the DCHS1 protein (p.Asp2353His). This variant is present in population databases (rs776808569, gnomAD 0.0009%). This variant has not been reported in the literature in individuals affected with DCHS1-related conditions. Invitae Evidence Modeling of protein sequence and biophysical properties (such as structural, functional, and spatial information, amino acid conservation, physicochemical variation, residue mobility, and thermodynamic stability) indicates that this missense variant is not expected to disrupt DCHS1 protein function with a negative predictive value of 80%. In summary, the available evidence is currently insufficient to determine the role of this variant in disease. Therefore, it has been classified as a Variant of Uncertain Significance.